The following is an entry in ClinVar:

ClinVar aggregate classification (germline): Uncertain significance (1 of 4 stars; one submission).

Conditions:
Amyotrophic lateral sclerosis type 6. Also called: FUS-Related Amyotrophic Laterial Sclerosis; AMYOTROPHIC LATERAL SCLEROSIS 6 WITHOUT FRONTOTEMPORAL DEMENTIA; Amyotrophic lateral sclerosis 6, with or without frontotemporal dementia. Identifiers: Orphanet 275872, Orphanet 803, MedGen C2931786, MONDO:0011951, OMIM 608030.
Tremor, hereditary essential, 4 (ETM4). Identifiers: MedGen C3539195, MONDO:0013888, OMIM 614782.

Submission:

Labcorp Genetics (formerly Invitae), Labcorp
Classification: Uncertain significance for Tremor, hereditary essential, 4; Amyotrophic lateral sclerosis type 6. Last evaluated: 2024-01-15. Review status: criteria provided, single submitter. Criteria: Invitae Variant Classification Sherloc (09022015). Collection method: clinical testing. Allele origin: germline.
Comment: This sequence change replaces proline, which is neutral and non-polar, with alanine, which is neutral and non-polar, at codon 363 of the FUS protein (p.Pro363Ala). This variant is not present in population databases (gnomAD no frequency). This variant has not been reported in the literature in individuals affected with FUS-related conditions. An algorithm developed to predict the effect of missense changes on protein structure and function (PolyPhen-2) suggests that this variant is likely to be disruptive. In summary, the available evidence is currently insufficient to determine the role of this variant in disease. Therefore, it has been classified as a Variant of Uncertain Significance.

NM_004960.4(FUS):c.1087C>G (p.Pro363Ala)

Gene: FUS (FUS RNA binding protein; plus strand). Cytogenetic location: 16p11.2.
Variant type: single nucleotide variant.
Coding change: c.1087C>G on transcript NM_004960.4 (MANE Select); coding-DNA position 1087, C replaced by G.
Protein change: p.Pro363Ala; replaces proline 363 with alanine.
Molecular consequence: missense variant. On other transcripts: non-coding transcript variant (1).
Genome position (GRCh38, 1-based): chr16:31,190,060, C>G. VCF-style: chr16-31190060-C-G. GRCh37 (hg19) VCF-style: chr16-31201381-C-G.
Other names: c.1084C>G, p.Pro362Ala (NM_001170634.1); c.1075C>G, p.Pro359Ala (NM_001170937.1); short protein forms P359A, P363A, P362A.
Identifiers: ClinVar variation 2935954 (VCV002935954.3), dbSNP rs2544274510, ClinGen allele CA395673982.
Genomic context (GRCh38, chr16:31,190,060, plus strand): 5'-CTTGCATTTAAAGTCTGTTGATGATTTTTTGTTTCTCTAGGTAAAGAATTCTCCGGAAAT[C>G]CTATCAAGGTCTCATTTGCTACTCGCCGGGCAGACTTTAATCGGGGTGGTGGCAATGGTC-3'
Protein context (NP_004951.1, residues 353-373): WFDGKEFSGN[Pro363Ala]IKVSFATRRA